The following is an entry in ClinVar:

ClinVar aggregate classification (germline): Uncertain significance (1 of 4 stars; one submission).

Conditions:
PIEZO1-related disorder. Also called: PIEZO1-related condition; PIEZO1-Related Disorders.

Submission:

PreventionGenetics, part of Exact Sciences
Classification: Uncertain significance for PIEZO1-related condition. Last evaluated: 2026-08-06. Review status: criteria provided, single submitter. Criteria: ACMG Guidelines, 2015. Collection method: clinical testing. Allele origin: germline.
Comment: The PIEZO1 c.446G>C variant is predicted to result in the amino acid substitution p.Ser149Thr. To our knowledge, this variant has not been reported in the literature or in a large population database (gnomAD), indicating this variant is rare. At this time, the clinical significance of this variant is uncertain due to the absence of conclusive functional and genetic evidence.

NM_001142864.4(PIEZO1):c.446G>C (p.Ser149Thr)

Gene: PIEZO1 (piezo type mechanosensitive ion channel component 1 (Er blood group); minus strand). Cytogenetic location: 16q24.3.
Variant type: single nucleotide variant.
Coding change: c.446G>C on transcript NM_001142864.4 (MANE Select); coding-DNA position 446, G replaced by C.
Protein change: p.Ser149Thr; replaces serine 149 with threonine.
Molecular consequence: missense variant.
Genome position (GRCh38, 1-based): chr16:88,741,497, C>G on the plus strand (G>C on the coding strand, the complement: PIEZO1 is on the minus strand). VCF-style: chr16-88741497-C-G. GRCh37 (hg19) VCF-style: chr16-88807905-C-G.
Other names: short protein forms S149T.
Identifiers: ClinVar variation 4988644 (VCV004988644.1).